The following is an entry in ClinVar:

ClinVar aggregate classification (germline): Likely benign. Review status: criteria provided, multiple submitters, no conflicts (2 of 4 stars). 4 submissions from 4 submitters: Likely benign (4). Last evaluated 2026-01-11.

Conditions:
INF2-related disorder. Also called: INF2-related condition.
Charcot-Marie-Tooth disease dominant intermediate E. Also called: CHARCOT-MARIE-TOOTH NEUROPATHY WITH FOCAL SEGMENTAL GLOMERULONEPHRITIS. Identifiers: Orphanet 93114, MedGen C4302667, MONDO:0013758, OMIM 614455.
Focal segmental glomerulosclerosis 5 (FSGS5). Identifiers: Orphanet 656, MedGen C2750475, MONDO:0013191, OMIM 613237.

Allele frequency attached by ClinVar (database versions not stated): gnomAD exomes 0.00004 and 0.00007; TOPMed 0.00007; gnomAD 0.00011; ExAC 0.00018; ESP Exome Variant Server 0.00040.
gnomAD v4.1: 108 of 1,578,650 alleles (0.0068%); highest among the groups gnomAD compares: African/African-American, 0.018%; no homozygotes.

Submissions (4):

Labcorp Genetics (formerly Invitae), Labcorp
Classification: Likely benign for Charcot-Marie-Tooth disease dominant intermediate E; Focal segmental glomerulosclerosis 5. Last evaluated: 2026-01-11. Review status: criteria provided, single submitter. Criteria: Invitae Variant Classification Sherloc (09022015). Collection method: clinical testing. Allele origin: germline.

PreventionGenetics, part of Exact Sciences
Classification: Likely benign for INF2-related condition. Last evaluated: 2025-03-07. Review status: criteria provided, single submitter. Criteria: ACMG Guidelines, 2015. Collection method: clinical testing. Allele origin: germline.
Comment: This variant is classified as likely benign based on ACMG/AMP sequence variant interpretation guidelines (Richards et al. 2015 PMID: 25741868, with internal and published modifications).

CeGaT Center for Human Genetics Tuebingen
Classification: Likely benign. Last evaluated: 2025-03-01. Review status: criteria provided, single submitter. Criteria: CeGaT Center For Human Genetics Tuebingen Variant Classification Criteria Version 2. Collection method: clinical testing. Allele origin: germline. Affected: yes. Observed: 1 variant allele.
Comment: INF2: BP4, BP7

Fulgent Genetics
Classification: Likely benign for Focal segmental glomerulosclerosis 5; Charcot-Marie-Tooth disease dominant intermediate E. Last evaluated: 2021-08-12. Review status: criteria provided, single submitter. Criteria: ACMG Guidelines, 2015. Collection method: clinical testing. Allele origin: unknown.

NM_022489.4(INF2):c.2367G>A (p.Thr789=)

Gene: INF2 (inverted formin 2; plus strand). Cytogenetic location: 14q32.33.
Variant type: single nucleotide variant.
Coding change: c.2367G>A on transcript NM_022489.4 (MANE Select); coding-DNA position 2367, G replaced by A.
Protein change: p.Thr789=; no amino-acid change (threonine 789 retained).
Molecular consequence: synonymous variant.
Genome position (GRCh38, 1-based): chr14:104,711,135, G>A. VCF-style: chr14-104711135-G-A. GRCh37 (hg19) VCF-style: chr14-105177472-G-A.
Other names: c.2367G>A, p.Thr789= (NM_001031714.4).
Identifiers: ClinVar variation 705323 (VCV000705323.18), dbSNP rs368194536, ClinGen allele CA7372897.